The following is an entry in ClinVar:

NM_021930.6(RINT1):c.907A>T (p.Ile303Phe)

Gene: RINT1 (RAD50 interactor 1; plus strand). Cytogenetic location: 7q22.3.
Variant type: single nucleotide variant.
Coding change: c.907A>T on transcript NM_021930.6 (MANE Select); coding-DNA position 907, A replaced by T.
Protein change: p.Ile303Phe; replaces isoleucine 303 with phenylalanine.
Molecular consequence: missense variant. On other transcripts: 5 prime UTR variant (2), non-coding transcript variant (1), intron variant (1).
Genome position (GRCh38, 1-based): chr7:105,548,621, A>T. VCF-style: chr7-105548621-A-T. GRCh37 (hg19) VCF-style: chr7-105189068-A-T.
Other names: c.-113A>T (NM_001346600.2); c.-18A>T (NM_001346601.2); c.-27-1434A>T (NM_001346603.2); c.673A>T, p.Ile225Phe (NM_001346599.2); short protein forms I303F, I225F.
Identifiers: ClinVar variation 2624759 (VCV002624759.3), dbSNP rs1381026923, ClinGen allele CA368807957.
Genomic context (GRCh38, chr7:105,548,621, plus strand): 5'-TTACTTACTGAGCCAAAGCAACTCCCAGAAAAATACTCTCTTCCTGCCTCCCCTTCTGTC[A>T]TCCTGCCCATCCAGGTTATGCTGACTCCTCTTCAGAAGAGGTTCAGGTATCACTTCAGAG-3'
Protein context (NP_068749.3, residues 293-313): KYSLPASPSV[Ile303Phe]LPIQVMLTPL

ClinVar aggregate classification (germline): Uncertain significance (1 of 4 stars; one submission).

Allele frequency attached by ClinVar (database versions not stated): TOPMed below 0.00001; gnomAD 0.00001.

Submission:

Ambry Genetics
Classification: Uncertain significance. Last evaluated: 2025-10-17. Review status: criteria provided, single submitter. Criteria: Ambry Variant Classification Scheme 2023. Collection method: clinical testing. Allele origin: germline.
Comment: The p.I303F variant (also known as c.907A>T), located in coding exon 7 of the RINT1 gene, results from an A to T substitution at nucleotide position 907. The isoleucine at codon 303 is replaced by phenylalanine, an amino acid with highly similar properties. This amino acid position is conserved. In addition, this alteration is predicted to be tolerated by in silico analysis. Since supporting evidence is limited at this time, the clinical significance of this alteration remains unclear.